The following is an entry in ClinVar:

NM_017739.4(POMGNT1):c.1539+1G>A

Genes: POMGNT1 (protein O-linked mannose N-acetylglucosaminyltransferase 1 (beta 1,2-); minus strand), TSPAN1 (tetraspanin 1; plus strand). Cytogenetic location: 1p34.1.
Variant type: single nucleotide variant.
Coding change: c.1539+1G>A on transcript NM_017739.4 (MANE Select); the canonical splice donor site of the intron after coding-DNA position 1539, G replaced by A.
Molecular consequence: splice donor variant.
Genome position (GRCh38, 1-based): chr1:46,192,097, C>T on the plus strand (G>A on the coding strand, the complement: POMGNT1 is on the minus strand). VCF-style: chr1-46192097-C-T. GRCh37 (hg19) VCF-style: chr1-46657769-C-T.
Other names: IVS17DS, G-A, +1; c.1539+1G>A (NM_001243766.2, NM_001438686.1, NM_001438688.1 and 3 more transcripts); c.1473+1G>A (NM_001290129.3, NM_001438691.1, NM_001438692.1); c.1110+1G>A (NM_001290130.2).
Identifiers: ClinVar variation 56582 (VCV000056582.98), dbSNP rs138642840, ClinGen allele CA234711.

ClinVar aggregate classification (germline): Pathogenic. Review status: criteria provided, multiple submitters, no conflicts (2 of 4 stars). 31 submissions from 29 submitters: Pathogenic (25). 6 of the submissions do not count toward it. Last evaluated 2026-01-17.

Conditions:
Autosomal recessive limb-girdle muscular dystrophy type 2O. Also called: MUSCULAR DYSTROPHY-DYSTROGLYCANOPATHY (LIMB-GIRDLE), TYPE C, 3; MUSCULAR DYSTROPHY-DYSTROGLYCANOPATHY, LIMB-GIRDLE, POMGNT1-RELATED; Limb-Girdle Muscular Dystrophy Type 3C. Identifiers: Orphanet 206564, MedGen C3150417, MONDO:0013161, OMIM 613157.
Muscular dystrophy-dystroglycanopathy (congenital with impaired intellectual development), type B, 3. Also called: Muscular dystrophy-dystroglycanopathy (congenital with intellectual disability), type B3; MUSCULAR DYSTROPHY, CONGENITAL, POMGNT1-RELATED. Identifiers: MedGen C3150412, MONDO:0013155, OMIM 613151.
Congenital muscular alpha-dystroglycanopathy with brain and eye anomalies. Identifiers: Orphanet 352687, MedGen C5679924, MONDO:0018132.
Muscular dystrophy-dystroglycanopathy. Also called: Congenital muscular dystrophy due to dystroglycanopathy. Identifiers: Orphanet 370953, MedGen C5679911, MONDO:0018276.
POMGNT1-related disorder. Also called: POMGNT1-related condition; POMGNT1-related disorders. Identifiers: MedGen CN239299.
Retinitis pigmentosa 76 (RP76). Identifiers: MedGen C4310704, MONDO:0014929, OMIM 617123.
Myopathy caused by variation in POMGNT1. Identifiers: MedGen CN305639, MONDO:0700068.
Muscle eye brain disease (MEB). Also called: Santavuori congenital muscular dystrophy. Identifiers: Orphanet 588, Orphanet 899, MedGen C0457133, MONDO:0018939.
Muscular dystrophy-dystroglycanopathy (congenital with brain and eye anomalies), type A3. Also called: Muscular dystrophy-dystroglycanopathy (congenital with brain and eye anomalies), type A, 3; Congenital muscular dystrophy-dystroglycanopathy with brain and eye anomalies, type A3; WALKER-WARBURG SYNDROME OR MUSCLE-EYE-BRAIN DISEASE, POMGNT1-RELATED. Identifiers: MedGen C3151519, MONDO:0009667, OMIM 253280.
Autosomal recessive POMGNT1-related disorders.
Retinal dystrophy. Also called: Inherited retinal dystrophy. Identifiers: Orphanet 71862, MedGen C0854723, MeSH D058499, MONDO:0019118, HP:0000556.
Autosomal recessive limb-girdle muscular dystrophy. Identifiers: Orphanet 102015, MedGen C2931907, MONDO:0015152.

Allele frequency attached by ClinVar (database versions not stated): TOPMed 0.00023; 1000 Genomes Project 30x 0.00031; gnomAD 0.00032 and 0.00034; gnomAD exomes 0.00036 and 0.00062; 1000 Genomes Project 0.00040; ESP Exome Variant Server 0.00054; ExAC 0.00092.
gnomAD v4.1: 570 of 1,613,632 alleles (0.035%); highest among the groups gnomAD compares: Non-Finnish European, 0.033%; no homozygotes.

Submissions 1 to 10 of 33:

Labcorp Genetics (formerly Invitae), Labcorp
Classification: Pathogenic for Autosomal recessive limb-girdle muscular dystrophy type 2O; Muscular dystrophy-dystroglycanopathy (congenital with impaired intellectual development), type B, 3. Last evaluated: 2026-01-17. Review status: criteria provided, single submitter. Criteria: Invitae Variant Classification Sherloc (09022015). Collection method: clinical testing. Allele origin: germline.
Comment: This sequence change affects a donor splice site in intron 17 of the POMGNT1 gene. It is expected to disrupt RNA splicing. Variants that disrupt the donor or acceptor splice site typically lead to a loss of protein function (PMID: 16199547), and loss-of-function variants in POMGNT1 are known to be pathogenic (PMID: 19299310, 20816175, 21447391, 26908613, 27391550). This variant is present in population databases (rs138642840, gnomAD 0.2%), and has an allele count higher than expected for a pathogenic variant. Disruption of this splice site has been observed in individuals with muscle-eye-brain disease and congenital muscular dystrophy (PMID: 11709191, 23326386). This variant is also known as IVS17+1G>A. ClinVar contains an entry for this variant (Variation ID: 56582). Algorithms developed to predict the effect of sequence changes on RNA splicing suggest that this variant may disrupt the consensus splice site. For these reasons, this variant has been classified as Pathogenic.

Variantyx, Inc.
Classification: Pathogenic for Autosomal recessive POMGNT1-related disorders. Last evaluated: 2025-09-01. Review status: criteria provided, single submitter. Criteria: Variantyx Assertion Criteria 2022. Collection method: clinical testing. Allele origin: germline. Inheritance: Autosomal recessive inheritance. Affected: no.
Comment: This is a canonical splicing variant in the POMGNT1 gene (OMIM: 606822). Pathogenic variants in this gene have been associated with autosomal recessive POMGNT1-related disorders. This variant has been identified in the homozygous or compound heterozygous state in at least 5 individual(s) reported in the published literature (PMID: 11709191, 23326386, 30961548), (PM3_Strong). This variant has a 0.0330% maximum allele frequency in non-founder control populations (PM2). Based on the current evidence, this variant is classified as pathogenic for autosomal recessive POMGNT1-related disorders.

PreventionGenetics, part of Exact Sciences
Classification: Pathogenic for POMGNT1-related condition. Last evaluated: 2025-08-21. Review status: criteria provided, single submitter. Criteria: ACMG Guidelines, 2015. Collection method: clinical testing. Allele origin: germline.
Comment: The POMGNT1 c.1539+1G>A variant is predicted to disrupt the GT donor site and interfere with normal splicing. This variant (also referred to as IVS17+1G>A) has been reported in the homozygous and compound heterozygous state in many patients to be causative for POMGNT1-related disorders (Yoshida et al. 2001. PubMed ID: 11709191; Devisme et al. 2012. PubMed ID: 22323514; Valencia et al. 2013. PubMed ID: 23326386). Functional analysis of a patient sample with RT-PCR and cDNA also support the splicing defect and pathogenicity of this variant (Yoshida et al. 2001. PubMed ID: 11709191). This variant is reported in 0.20% of alleles in individuals of European (Finnish) descent in gnomAD. Variants that disrupt the consensus splice donor site in POMGNT1 are expected to be pathogenic. This variant is interpreted as pathogenic.

3billion
Classification: Pathogenic for POMGNT1-related disorder. Last evaluated: 2025-06-26. Review status: criteria provided, single submitter. Criteria: ACMG Guidelines, 2015. Collection method: clinical testing. Allele origin: germline. Affected: yes.
Comment: The variant is observed at an extremely low frequency in the gnomAD v4.1.0 dataset (total allele frequency: 0.035%). Predicted Consequence/Location: Canonical splice site: predicted to alter splicing and result in a loss or disruption of normal protein function. Multiple pathogenic loss-of-function variants are reported downstream of the variant. The variant has been reported at least twice as pathogenic with clinical assertions and evidence for the classification (ClinVar ID: VCV000056582 /PMID: 11709191). Therefore, this variant is classified as Pathogenic according to the recommendation of ACMG/AMP guideline.

Variantyx, Inc.
Classification: Pathogenic for POMGNT1-related disorders. Last evaluated: 2025-03-24. Review status: criteria provided, single submitter. Criteria: Variantyx Assertion Criteria 2022. Collection method: clinical testing. Allele origin: maternal. Inheritance: Autosomal recessive inheritance.
Comment: This is a canonical splicing variant in the POMGNT1 gene (OMIM: 606822). Pathogenic variants in this gene have been associated with autosomal recessive POMGNT1-related disorders. This variant has been identified in the homozygous or compound heterozygous state in at least 5 individuals from the published literature (PMID:11709191, 23326386, 30961548) (PM3) and has a 0.0330% maximum allele frequency in non-founder control populations (PM2). Based on the current evidence, this variant is classified as pathogenic for autosomal recessive POMGNT1-related disorders.

Blueprint Genetics
Classification: Pathogenic for POMGNT1-related disorders. Last evaluated: 2024-11-18. Review status: criteria provided, single submitter. Criteria: ACMG Guidelines, 2015. Collection method: clinical testing. Allele origin: germline. Affected: yes. Observed: 5 variant alleles.

Fulgent Genetics
Classification: Pathogenic for Muscular dystrophy-dystroglycanopathy (congenital with brain and eye anomalies), type A3; Muscular dystrophy-dystroglycanopathy (congenital with impaired intellectual development), type B, 3; Autosomal recessive limb-girdle muscular dystrophy type 2O; Retinitis pigmentosa 76. Last evaluated: 2024-05-29. Review status: criteria provided, single submitter. Criteria: ACMG Guidelines, 2015. Collection method: clinical testing. Allele origin: germline.

Natera, Inc.
Classification: Pathogenic for Muscle-eye-brain disease. Last evaluated: 2024-05-29. Review status: criteria provided, single submitter. Criteria: Natera Variant Classification Schema (03/2026). Collection method: clinical testing. Allele origin: germline.
Comment: The c.1539+1G>A variant in POMGNT1 is a canonical splice donor site variant predicted to affect pre-mRNA splicing, which may result in an abnormal transcript and altered protein product. This variant is expected to result in nonsense mediated decay, truncation, or a dysfunctional protein product. This variant has been observed in one or more individuals affected with the associated recessive disease, as either homozygous or compound heterozygous with a second variant (PMID: 19067344, 17906881, 15466003). Given the available evidence, this variant is classified as Pathogenic.

Revvity Omics, Revvity
Classification: Pathogenic. Last evaluated: 2024-04-26. Review status: criteria provided, single submitter. Criteria: ACMG Guidelines, 2015. Collection method: clinical testing. Allele origin: germline.

Baylor Genetics
Classification: Pathogenic for Muscular dystrophy-dystroglycanopathy (congenital with brain and eye anomalies), type A3. Last evaluated: 2024-03-24. Review status: criteria provided, single submitter. Criteria: ACMG Guidelines, 2015. Collection method: clinical testing. Allele origin: unknown.